The following is an entry in ClinVar:

NM_014314.4(RIGI):c.2698G>T (p.Gly900Ter)

Gene: RIGI (RNA sensor RIG-I; minus strand). Cytogenetic location: 9p21.1.
Variant type: single nucleotide variant.
Coding change: c.2698G>T on transcript NM_014314.4 (MANE Select); coding-DNA position 2698, G replaced by T.
Protein change: p.Gly900Ter; replaces glycine 900 with a stop codon.
Molecular consequence: nonsense.
Genome position (GRCh38, 1-based): chr9:32,457,202, C>A on the plus strand (G>T on the coding strand, the complement: RIGI is on the minus strand). VCF-style: chr9-32457202-C-A. GRCh37 (hg19) VCF-style: chr9-32457200-C-A.
Other names: c.2692G>T, p.Gly898Ter (NM_001385907.1); c.2527G>T, p.Gly843Ter (NM_001385909.1); c.2257G>T, p.Gly753Ter (NM_001385910.1); c.2089G>T, p.Gly697Ter (NM_001385912.1); c.2683G>T, p.Gly895Ter (NM_001385913.1); c.2254G>T, p.Gly752Ter (NM_001385914.1); short protein forms G697*, G895*, G900*, G752*, G843*, G753*, G898*.
Identifiers: ClinVar variation 1400334 (VCV001400334.4), dbSNP rs959690242, ClinGen allele CA192350043.

ClinVar aggregate classification (germline): Uncertain significance (1 of 4 stars; one submission).

Allele frequency attached by ClinVar (database versions not stated): gnomAD exomes below 0.00001 and 0.00001; gnomAD 0.00001; TOPMed 0.00004.
gnomAD v4.1: 9 of 1,613,658 alleles (0.00056%); highest among the groups gnomAD compares: Admixed American, 0.005%; no homozygotes.

Submission:

Labcorp Genetics (formerly Invitae), Labcorp
Classification: Uncertain significance. Last evaluated: 2024-05-19. Review status: criteria provided, single submitter. Criteria: Invitae Variant Classification Sherloc (09022015). Collection method: clinical testing. Allele origin: germline.
Comment: This sequence change creates a premature translational stop signal (p.Gly900*) in the DDX58 gene. While this is not anticipated to result in nonsense mediated decay, it is expected to disrupt the last 26 amino acid(s) of the DDX58 protein. This variant is present in population databases (no rsID available, gnomAD 0.0009%). This variant has not been reported in the literature in individuals affected with DDX58-related conditions. ClinVar contains an entry for this variant (Variation ID: 1400334). Experimental studies and prediction algorithms are not available or were not evaluated, and the functional significance of this variant is currently unknown. In summary, the available evidence is currently insufficient to determine the role of this variant in disease. Therefore, it has been classified as a Variant of Uncertain Significance.